The following is an entry in ClinVar:

ClinVar aggregate classification (germline): Uncertain significance (1 of 4 stars; one submission).

Allele frequency attached by ClinVar (database versions not stated): gnomAD 0.00003; ExAC 0.00004; TOPMed 0.00004; gnomAD exomes 0.00007; 1000 Genomes Project 30x 0.00016; 1000 Genomes Project 0.00020.
gnomAD v4.1: 108 of 1,614,148 alleles (0.0067%); highest among the groups gnomAD compares: Middle Eastern, 0.016%; no homozygotes.

Submission:

Labcorp Genetics (formerly Invitae), Labcorp
Classification: Uncertain significance. Last evaluated: 2024-10-22. Review status: criteria provided, single submitter. Criteria: Invitae Variant Classification Sherloc (09022015). Collection method: clinical testing. Allele origin: germline.
Comment: This sequence change replaces arginine, which is basic and polar, with glutamine, which is neutral and polar, at codon 753 of the PCDH12 protein (p.Arg753Gln). This variant is present in population databases (rs199910341, gnomAD 0.009%). This variant has not been reported in the literature in individuals affected with PCDH12-related conditions. ClinVar contains an entry for this variant (Variation ID: 2418109). Invitae Evidence Modeling of protein sequence and biophysical properties (such as structural, functional, and spatial information, amino acid conservation, physicochemical variation, residue mobility, and thermodynamic stability) indicates that this missense variant is not expected to disrupt PCDH12 protein function with a negative predictive value of 95%. In summary, the available evidence is currently insufficient to determine the role of this variant in disease. Therefore, it has been classified as a Variant of Uncertain Significance.

NM_016580.4(PCDH12):c.2258G>A (p.Arg753Gln)

Genes: PCDH12 (protocadherin 12; minus strand), RNF14 (ring finger protein 14; plus strand). Cytogenetic location: 5q31.3.
Variant type: single nucleotide variant.
Coding change: c.2258G>A on transcript NM_016580.4 (MANE Select); coding-DNA position 2258, G replaced by A.
Protein change: p.Arg753Gln; replaces arginine 753 with glutamine.
Molecular consequence: missense variant.
Genome position (GRCh38, 1-based): chr5:141,955,594, C>T on the plus strand (G>A on the coding strand, the complement: PCDH12 is on the minus strand). VCF-style: chr5-141955594-C-T. GRCh37 (hg19) VCF-style: chr5-141335159-C-T.
Other names: short protein forms R753Q.
Identifiers: ClinVar variation 2418109 (VCV002418109.6), dbSNP rs199910341, ClinGen allele CA3484243.